The following is an entry in ClinVar:

NM_000038.6(APC):c.3092A>G (p.Tyr1031Cys)

Gene: APC (APC regulator of Wnt signaling pathway; plus strand). Cytogenetic location: 5q22.2.
Variant type: single nucleotide variant.
Coding change: c.3092A>G on transcript NM_000038.6 (MANE Select); coding-DNA position 3092, A replaced by G.
Protein change: p.Tyr1031Cys; replaces tyrosine 1031 with cysteine.
Molecular consequence: missense variant. On other transcripts: non-coding transcript variant (2).
Genome position (GRCh38, 1-based): chr5:112,838,686, A>G. VCF-style: chr5-112838686-A-G. GRCh37 (hg19) VCF-style: chr5-112174383-A-G.
Other names: c.3092A>G, p.Tyr1031Cys (NM_001127510.3, NM_001354895.2, NM_001407450.1); c.3038A>G, p.Tyr1013Cys (NM_001127511.3); c.3146A>G, p.Tyr1049Cys (NM_001354896.2, NM_001407447.1, NM_001407448.1 and 1 more transcripts); c.3122A>G, p.Tyr1041Cys (NM_001354897.2); c.3017A>G, p.Tyr1006Cys (NM_001354898.2); c.3008A>G, p.Tyr1003Cys (NM_001354899.2); c.2969A>G, p.Tyr990Cys (NM_001354900.2); c.2915A>G, p.Tyr972Cys (NM_001354901.2, NM_001407453.1); and 11 more; short protein forms Y1013C, Y1031C, Y647C, Y930C, Y972C, Y1006C, Y1024C, Y748C.
Identifiers: ClinVar variation 2624856 (VCV002624856.5), dbSNP rs2149884132, ClinGen allele CA16028105.

ClinVar aggregate classification (germline): Uncertain significance. Review status: criteria provided, multiple submitters, no conflicts (2 of 4 stars). 2 submissions from 2 submitters: Uncertain significance (2). Last evaluated 2023-07-03.

Conditions:
Hereditary cancer-predisposing syndrome. Also called: Tumor predisposition; Hereditary Cancer Syndrome; Hereditary neoplastic syndrome; Neoplastic Syndromes, Hereditary. Identifiers: Orphanet 140162, MedGen C0027672, MeSH D009386, MONDO:0015356.
Familial adenomatous polyposis 1 (FAP1). Also called: FAMILIAL ADENOMATOUS POLYPOSIS 1, ATTENUATED; POLYPOSIS, ADENOMATOUS INTESTINAL. Identifiers: MedGen C2713442, MONDO:0021056, OMIM 175100. Disease mechanism: loss of function.

Submissions (2):

Ambry Genetics
Classification: Uncertain significance for Hereditary cancer-predisposing syndrome. Last evaluated: 2023-07-03. Review status: criteria provided, single submitter. Criteria: Ambry Variant Classification Scheme 2023. Collection method: clinical testing. Allele origin: germline.
Comment: The p.Y1031C variant (also known as c.3092A>G), located in coding exon 15 of the APC gene, results from an A to G substitution at nucleotide position 3092. The tyrosine at codon 1031 is replaced by cysteine, an amino acid with highly dissimilar properties. This amino acid position is conserved. In addition, in silico predictors for this gene do not accurately predict pathogenicity. Since supporting evidence is limited at this time, the clinical significance of this alteration remains unclear.

Labcorp Genetics (formerly Invitae), Labcorp
Classification: Uncertain significance for Familial adenomatous polyposis 1. Last evaluated: 2022-12-07. Review status: criteria provided, single submitter. Criteria: Invitae Variant Classification Sherloc (09022015). Collection method: clinical testing. Allele origin: germline.
Comment: This variant has not been reported in the literature in individuals affected with APC-related conditions. Advanced modeling of protein sequence and biophysical properties (such as structural, functional, and spatial information, amino acid conservation, physicochemical variation, residue mobility, and thermodynamic stability) has been performed at Invitae for this missense variant, however the output from this modeling did not meet the statistical confidence thresholds required to predict the impact of this variant on APC protein function. In summary, the available evidence is currently insufficient to determine the role of this variant in disease. Therefore, it has been classified as a Variant of Uncertain Significance. This sequence change replaces tyrosine, which is neutral and polar, with cysteine, which is neutral and slightly polar, at codon 1031 of the APC protein (p.Tyr1031Cys). This variant is not present in population databases (gnomAD no frequency).